The following is an entry in ClinVar:

NM_015072.5(TTLL5):c.1816G>A (p.Glu606Lys)

Gene: TTLL5 (tubulin tyrosine ligase like 5; plus strand). Cytogenetic location: 14q24.3.
Variant type: single nucleotide variant.
Coding change: c.1816G>A on transcript NM_015072.5 (MANE Select); coding-DNA position 1816, G replaced by A.
Protein change: p.Glu606Lys; replaces glutamic acid 606 with lysine.
Molecular consequence: missense variant.
Genome position (GRCh38, 1-based): chr14:75,766,169, G>A. VCF-style: chr14-75766169-G-A. GRCh37 (hg19) VCF-style: chr14-76232512-G-A.
Other names: short protein forms E606K.
Identifiers: ClinVar variation 1466503 (VCV001466503.7), dbSNP rs762434843, ClinGen allele CA7279538.

ClinVar aggregate classification (germline): Uncertain significance. Review status: criteria provided, multiple submitters, no conflicts (2 of 4 stars). 2 submissions from 2 submitters: Uncertain significance (2). Last evaluated 2023-02-02.

Allele frequency attached by ClinVar (database versions not stated): gnomAD exomes below 0.00001; ExAC 0.00001; gnomAD 0.00001; TOPMed 0.00001.
gnomAD v4.1: 4 of 1,613,930 alleles (0.00025%); highest among the groups gnomAD compares: African/African-American, 0.0027%; no homozygotes.

Submissions (2):

Blueprint Genetics
Classification: Uncertain significance. Last evaluated: 2023-02-02. Review status: criteria provided, single submitter. Criteria: ACMG Guidelines, 2015. Collection method: clinical testing. Allele origin: germline.

Labcorp Genetics (formerly Invitae), Labcorp
Classification: Uncertain significance. Last evaluated: 2022-07-12. Review status: criteria provided, single submitter. Criteria: Invitae Variant Classification Sherloc (09022015). Collection method: clinical testing. Allele origin: germline.
Comment: In summary, the available evidence is currently insufficient to determine the role of this variant in disease. Therefore, it has been classified as a Variant of Uncertain Significance. This sequence change replaces glutamic acid, which is acidic and polar, with lysine, which is basic and polar, at codon 606 of the TTLL5 protein (p.Glu606Lys). This variant is present in population databases (rs762434843, gnomAD 0.0009%). This variant has not been reported in the literature in individuals affected with TTLL5-related conditions. ClinVar contains an entry for this variant (Variation ID: 1466503). Algorithms developed to predict the effect of missense changes on protein structure and function (SIFT, PolyPhen-2, Align-GVGD) all suggest that this variant is likely to be tolerated.